The following is an entry in ClinVar:

ClinVar aggregate classification (germline): Uncertain significance (1 of 4 stars; one submission).

Allele frequency attached by ClinVar (database versions not stated): gnomAD 0.00001; gnomAD exomes 0.00001 and 0.00002; TOPMed 0.00001.
gnomAD v4.1: 36 of 1,612,466 alleles (0.0022%); highest among the groups gnomAD compares: Non-Finnish European, 0.0028%; no homozygotes.

Submission:

Labcorp Genetics (formerly Invitae), Labcorp
Classification: Uncertain significance. Last evaluated: 2021-08-24. Review status: criteria provided, single submitter. Criteria: Invitae Variant Classification Sherloc (09022015). Collection method: clinical testing. Allele origin: germline.
Comment: This sequence change falls in intron 5 of the STN1 gene. It does not directly change the encoded amino acid sequence of the STN1 protein. This variant is not present in population databases (ExAC no frequency). This variant has not been reported in the literature in individuals affected with STN1-related conditions. Algorithms developed to predict the effect of sequence changes on RNA splicing suggest that this variant may create or strengthen a splice site. In summary, the available evidence is currently insufficient to determine the role of this variant in disease. Therefore, it has been classified as a Variant of Uncertain Significance.

NM_024928.5(STN1):c.457+12A>G

Gene: STN1 (STN1 subunit of CST complex; minus strand). Cytogenetic location: 10q24.33.
Variant type: single nucleotide variant.
Coding change: c.457+12A>G on transcript NM_024928.5 (MANE Select); 12 bases into the intron after coding-DNA position 457, A replaced by G.
Molecular consequence: intron variant.
Genome position (GRCh38, 1-based): chr10:103,900,050, T>C on the plus strand (A>G on the coding strand, the complement: STN1 is on the minus strand). VCF-style: chr10-103900050-T-C. GRCh37 (hg19) VCF-style: chr10-105659808-T-C.
Identifiers: ClinVar variation 1348022 (VCV001348022.5), dbSNP rs1272974134, ClinGen allele CA596111074.